The following is an entry in ClinVar:

NM_001127208.3(TET2):c.353C>G (p.Ala118Gly)

Genes: TET2 (tet methylcytosine dioxygenase 2; plus strand), TET2-AS1 (TET2 antisense RNA 1; minus strand). Cytogenetic location: 4q24.
Variant type: single nucleotide variant.
Coding change: c.353C>G on transcript NM_001127208.3 (MANE Select); coding-DNA position 353, C replaced by G.
Protein change: p.Ala118Gly; replaces alanine 118 with glycine.
Molecular consequence: missense variant.
Genome position (GRCh38, 1-based): chr4:105,234,295, C>G. VCF-style: chr4-105234295-C-G. GRCh37 (hg19) VCF-style: chr4-106155452-C-G.
Other names: c.353C>G, p.Ala118Gly (NM_017628.4); short protein forms A118G.
Identifiers: ClinVar variation 3455340 (VCV003455340.1).

ClinVar aggregate classification (germline): Uncertain significance (1 of 4 stars; one submission).

Submission:

Ambry Genetics
Classification: Uncertain significance. Last evaluated: 2024-11-27. Review status: criteria provided, single submitter. Criteria: Ambry Variant Classification Scheme 2023. Collection method: clinical testing. Allele origin: germline.
Comment: The p.A118G variant (also known as c.353C>G), located in coding exon 1 of the TET2 gene, results from a C to G substitution at nucleotide position 353. The alanine at codon 118 is replaced by glycine, an amino acid with similar properties. This amino acid position is conserved. In addition, this alteration is predicted to be tolerated by in silico analysis. Based on the available evidence, the clinical significance of this variant remains unclear.